The following is an entry in ClinVar:

ClinVar aggregate classification (germline): Uncertain significance (1 of 4 stars; one submission).

Conditions:
Spondylocarpotarsal synostosis syndrome (SCT). Also called: SPONDYLOCARPOTARSAL SYNDROME; VERTEBRAL FUSION WITH CARPAL COALITION; Spondylocarpotarsal Synostosis Syndrome (FLNB-SCT); Synspondylism congenital; Scoliosis, congenital with unilateral unsegmented bar. Identifiers: Orphanet 3275, MedGen C1848934, MONDO:0010094, OMIM 272460.
Boomerang dysplasia. Identifiers: Orphanet 1263, MedGen C0432201, MONDO:0007208, OMIM 112310.
Atelosteogenesis type I. Also called: SPONDYLOHUMEROFEMORAL HYPOPLASIA; GIANT CELL CHONDRODYSPLASIA; Atelosteogenesis Type 1 (FLNB-AO1). Identifiers: Orphanet 1190, MedGen C0265283, MONDO:0007167, OMIM 108720.
Atelosteogenesis type III. Also called: Atelosteogenesis Type 3 (FLNB-AO3). Identifiers: Orphanet 56305, MedGen C3668942, MONDO:0007168, OMIM 108721.
Larsen syndrome (LRS). Also called: Larsen syndrome (FLNB-LS); Bilateral dislocation of the knees, pes cavus, cylindrically shaped fingers and characteristic facies. Identifiers: Orphanet 503, MedGen C0175778, MONDO:0007875, OMIM 150250. Disease mechanism: loss of function.

Submission:

Juno Genomics, Hangzhou Juno Genomics, Inc
Classification: Uncertain significance for Atelosteogenesis type I; Atelosteogenesis type III; Boomerang dysplasia; Larsen syndrome; Spondylocarpotarsal synostosis syndrome. Review status: criteria provided, single submitter. Criteria: ACMG Guidelines, 2015. Collection method: clinical testing. Allele origin: germline.
Comment: Missense variant in a gene that has a low rate of benign missense variation.;Multiple lines of computational evidence support a deleterious effect on the gene or gene product.;Absent from controls (or at extremely low frequency if recessive) in Genome Aggregation Database.

NM_001457.4(FLNB):c.6155T>C (p.Leu2052Pro)

Gene: FLNB (filamin B; plus strand). Cytogenetic location: 3p14.3.
Variant type: single nucleotide variant.
Coding change: c.6155T>C on transcript NM_001457.4 (MANE Select); coding-DNA position 6155, T replaced by C.
Protein change: p.Leu2052Pro; replaces leucine 2052 with proline.
Molecular consequence: missense variant.
Genome position (GRCh38, 1-based): chr3:58,149,913, T>C. VCF-style: chr3-58149913-T-C. GRCh37 (hg19) VCF-style: chr3-58135640-T-C.
Other names: c.6248T>C, p.Leu2083Pro (NM_001164317.2); c.6122T>C, p.Leu2041Pro (NM_001164318.2); c.6083T>C, p.Leu2028Pro (NM_001164319.2); short protein forms L2028P, L2041P, L2052P, L2083P.
Identifiers: ClinVar variation 5006687 (VCV005006687.2).